The following is an entry in ClinVar:

ClinVar aggregate classification (germline): Conflicting classifications of pathogenicity. Review status: criteria provided, conflicting classifications (1 of 4 stars). 5 submissions from 5 submitters: Uncertain significance (1); Likely benign (4). Last evaluated 2025-02-13.

Conditions:
Autosomal recessive nonsyndromic hearing loss 18B. Also called: Deafness, autosomal recessive 18b. Identifiers: Orphanet 90636, MedGen C3554163, MONDO:0013985, OMIM 614945.
OTOG-related disorder. Also called: OTOG-related condition.

Allele frequency attached by ClinVar (database versions not stated): gnomAD exomes 0.00007 and 0.00024; 1000 Genomes Project 0.00020; ExAC 0.00024; 1000 Genomes Project 30x 0.00047; gnomAD 0.00074 and 0.00078; TOPMed 0.00081.
gnomAD v4.1: 218 of 1,550,640 alleles (0.014%); highest among the groups gnomAD compares: African/African-American, 0.24%; no homozygotes.

Submissions (5):

Labcorp Genetics (formerly Invitae), Labcorp
Classification: Likely benign. Last evaluated: 2025-02-13. Review status: criteria provided, single submitter. Criteria: Invitae Variant Classification Sherloc (09022015). Collection method: clinical testing. Allele origin: germline.

PreventionGenetics, part of Exact Sciences
Classification: Likely benign for OTOG-related condition. Last evaluated: 2024-11-26. Review status: criteria provided, single submitter. Criteria: ACMG Guidelines, 2015. Collection method: clinical testing. Allele origin: germline.
Comment: This variant is classified as likely benign based on ACMG/AMP sequence variant interpretation guidelines (Richards et al. 2015 PMID: 25741868, with internal and published modifications).

Blueprint Genetics
Classification: Uncertain significance. Last evaluated: 2022-10-27. Review status: criteria provided, single submitter. Criteria: ACMG Guidelines, 2015. Collection method: clinical testing. Allele origin: germline.

Fulgent Genetics
Classification: Likely benign for Autosomal recessive nonsyndromic hearing loss 18B. Last evaluated: 2021-08-09. Review status: criteria provided, single submitter. Criteria: ACMG Guidelines, 2015. Collection method: clinical testing. Allele origin: unknown.

Laboratory for Molecular Medicine, Mass General Brigham Personalized Medicine
Classification: Likely benign. Last evaluated: 2018-03-21. Review status: criteria provided, single submitter. Criteria: LMM Criteria. Collection method: clinical testing. Allele origin: germline. Observed: 1 variant allele.
Comment: p.Thr2288Ile in exon 40 of OTOG: This variant is classified as iikely benign bec ause it has been identified in 0.3% (43/15222) of African chromosomes by the Gen ome Aggregation Database (gnomAD; dbSNP rs5696 03083). In addition, computational prediction tools and conservation analysis su ggest that the p.Thr2288Ile variant may not impact the protein. ACMG/AMP Criteri a applied: BA1; BP4.

NM_001292063.2(OTOG):c.6827C>T (p.Thr2276Ile)

Gene: OTOG (otogelin; plus strand). Cytogenetic location: 11p15.1.
Variant type: single nucleotide variant.
Coding change: c.6827C>T on transcript NM_001292063.2 (MANE Select); coding-DNA position 6827, C replaced by T.
Protein change: p.Thr2276Ile; replaces threonine 2276 with isoleucine.
Molecular consequence: missense variant.
Genome position (GRCh38, 1-based): chr11:17,631,816, C>T. VCF-style: chr11-17631816-C-T. GRCh37 (hg19) VCF-style: chr11-17653363-C-T.
Other names: c.6863C>T, p.Thr2288Ile (NM_001277269.2); short protein forms T2288I, T2276I.
Identifiers: ClinVar variation 666738 (VCV000666738.10), dbSNP rs569603083, ClinGen allele CA5906065.